The following is an entry in ClinVar:

ClinVar aggregate classification (germline): Conflicting classifications of pathogenicity. Review status: criteria provided, conflicting classifications (1 of 4 stars). 3 submissions from 3 submitters: Uncertain significance (1); Likely benign (1). 1 of the submissions does not count toward it. Last evaluated 2025-10-04.

Conditions:
Cardiovascular phenotype. Identifiers: MedGen CN230736.
Long QT syndrome 11 (LQT11). Identifiers: Orphanet 101016, Orphanet 768, MedGen C2678483, MONDO:0012738, OMIM 611820.
Long QT syndrome (LQTS). Identifiers: MedGen C0023976, MeSH D008133, MONDO:0002442. Disease mechanism: loss of function. Inheritance: Various modes of inheritance.

Allele frequency attached by ClinVar (database versions not stated): ExAC 0.00001; gnomAD exomes 0.00004; TOPMed 0.00005; gnomAD 0.00006.
gnomAD v4.1: 286 of 1,612,954 alleles (0.018%); highest among the groups gnomAD compares: Non-Finnish European, 0.024%; no homozygotes.

Submissions (3):

Labcorp Genetics (formerly Invitae), Labcorp
Classification: Uncertain significance for Long QT syndrome. Last evaluated: 2025-10-04. Review status: criteria provided, single submitter. Criteria: Invitae Variant Classification Sherloc (09022015). Collection method: clinical testing. Allele origin: germline.
Comment: This sequence change replaces glutamine, which is neutral and polar, with glutamic acid, which is acidic and polar, at codon 1397 of the AKAP9 protein (p.Gln1397Glu). This variant is present in population databases (rs749340561, gnomAD 0.006%). This variant has not been reported in the literature in individuals affected with AKAP9-related conditions. ClinVar contains an entry for this variant (Variation ID: 417869). An algorithm developed to predict the effect of missense changes on protein structure and function (PolyPhen-2) suggests that this variant is likely to be tolerated. In summary, the available evidence is currently insufficient to determine the role of this variant in disease. Therefore, it has been classified as a Variant of Uncertain Significance.

Ambry Genetics
Classification: Likely benign for Cardiovascular phenotype. Last evaluated: 2024-10-30. Review status: criteria provided, single submitter. Criteria: Ambry Variant Classification Scheme 2023. Collection method: clinical testing. Allele origin: germline.

Division of Human Genetics, Children's Hospital of Philadelphia
Classification: Uncertain significance for Long QT syndrome 11. Last evaluated: 2015-08-20. Review status: no assertion criteria provided. Collection method: research. Allele origin: germline. Affected: yes. Study: CSER-PediSeq. Not counted in ClinVar's aggregate classification.

NM_005751.5(AKAP9):c.4189C>G (p.Gln1397Glu)

Gene: AKAP9 (A-kinase anchoring protein 9; plus strand). Cytogenetic location: 7q21.2.
Variant type: single nucleotide variant.
Coding change: c.4189C>G on transcript NM_005751.5 (MANE Select); coding-DNA position 4189, C replaced by G.
Protein change: p.Gln1397Glu; replaces glutamine 1397 with glutamic acid.
Molecular consequence: missense variant.
Genome position (GRCh38, 1-based): chr7:92,029,935, C>G. VCF-style: chr7-92029935-C-G. GRCh37 (hg19) VCF-style: chr7-91659249-C-G.
Other names: c.4189C>G, p.Gln1397Glu (NM_147185.3); short protein forms Q1397E.
Identifiers: ClinVar variation 417869 (VCV000417869.12), dbSNP rs749340561, ClinGen allele CA4336503.